The following is an entry in ClinVar:

NM_001394062.1(MACF1):c.12293G>A (p.Arg4098Gln)

Gene: MACF1 (microtubule actin crosslinking factor 1; plus strand). Cytogenetic location: 1p34.3.
Variant type: single nucleotide variant.
Coding change: c.12293G>A on transcript NM_001394062.1 (MANE Select); coding-DNA position 12293, G replaced by A.
Protein change: p.Arg4098Gln; replaces arginine 4098 with glutamine.
Molecular consequence: missense variant.
Genome position (GRCh38, 1-based): chr1:39,360,841, G>A. VCF-style: chr1-39360841-G-A. GRCh37 (hg19) VCF-style: chr1-39826513-G-A.
Other names: c.6107G>A, p.Arg2036Gln (NM_012090.5); short protein forms R2036Q, R4098Q.
Identifiers: ClinVar variation 2238242 (VCV002238242.5), dbSNP rs201574478, ClinGen allele CA781780.
Genomic context (GRCh38, chr1:39,360,841, plus strand): 5'-CTGATTTTTCAGATTCCATACTCAGCCACTTCCAAAGCCTCTCCTATAGCCTGGCTGAGC[G>A]ATCTTCTCTGCTGCAGAAAGCAATTGCCCAATCTCAGAGTGTCCAGGAAAGCCTGGAGAG-3'
Protein context (NP_001380991.1, residues 4088-4108): FQSLSYSLAE[Arg4098Gln]SSLLQKAIAQ

ClinVar aggregate classification (germline): Conflicting classifications of pathogenicity. Review status: criteria provided, conflicting classifications (1 of 4 stars). 3 submissions from 3 submitters: Uncertain significance (2); Likely benign (1). Last evaluated 2026-03-05.

Conditions:
Inborn genetic diseases. Identifiers: MedGen C0950123, MeSH D030342.

Allele frequency attached by ClinVar (database versions not stated): gnomAD 0.00001; ExAC 0.00004.
gnomAD v4.1: 31 of 1,613,812 alleles (0.0019%); highest among the groups gnomAD compares: Admixed American, 0.013%; no homozygotes.

Submissions (3):

GeneDx
Classification: Uncertain significance. Last evaluated: 2026-03-05. Review status: criteria provided, single submitter. Criteria: GeneDx Variant Classification Process June 2021. Collection method: clinical testing. Allele origin: germline.
Comment: In silico analysis supports that this missense variant has a deleterious effect on protein structure/function; Has not been previously published as pathogenic or benign to our knowledge

Labcorp Genetics (formerly Invitae), Labcorp
Classification: Uncertain significance. Last evaluated: 2025-10-02. Review status: criteria provided, single submitter. Criteria: Invitae Variant Classification Sherloc (09022015). Collection method: clinical testing. Allele origin: germline.
Comment: This sequence change replaces arginine, which is basic and polar, with glutamine, which is neutral and polar, at codon 2036 of the MACF1 protein (p.Arg2036Gln). This variant is present in population databases (rs201574478, gnomAD 0.02%). This variant has not been reported in the literature in individuals affected with MACF1-related conditions. ClinVar contains an entry for this variant (Variation ID: 2238242). An algorithm developed to predict the effect of missense changes on protein structure and function (PolyPhen-2) suggests that this variant is likely to be disruptive. In summary, the available evidence is currently insufficient to determine the role of this variant in disease. Therefore, it has been classified as a Variant of Uncertain Significance.

Ambry Genetics
Classification: Likely benign for Inborn genetic diseases. Last evaluated: 2022-08-22. Review status: criteria provided, single submitter. Criteria: Ambry Variant Classification Scheme 2023. Collection method: clinical testing. Allele origin: germline.